The following is an entry in ClinVar:

NM_015215.4(CAMTA1):c.1172G>A (p.Gly391Glu)

Gene: CAMTA1 (calmodulin binding transcription activator 1; plus strand). Cytogenetic location: 1p36.23.
Variant type: single nucleotide variant.
Coding change: c.1172G>A on transcript NM_015215.4 (MANE Select); coding-DNA position 1172, G replaced by A.
Protein change: p.Gly391Glu; replaces glycine 391 with glutamic acid.
Molecular consequence: missense variant.
Genome position (GRCh38, 1-based): chr1:7,663,719, G>A. VCF-style: chr1-7663719-G-A. GRCh37 (hg19) VCF-style: chr1-7723779-G-A.
Other names: c.1082G>A, p.Gly361Glu (NM_001349608.2, NM_001349612.2); c.1172G>A, p.Gly391Glu (NM_001349609.2, NM_001349610.2, NM_001410737.1); c.1100G>A, p.Gly367Glu (NM_001410738.1); short protein forms G391E, G367E, G361E.
Identifiers: ClinVar variation 2082678 (VCV002082678.2), dbSNP rs762445994, ClinGen allele CA566389.
Genomic context (GRCh38, chr1:7,663,719, plus strand): 5'-ACATGGTGGACAGCCCGGTGGTCACAGGTGTGTCCGGTATGGCGGTGGCCTCTGTGATGG[G>A]GAGCTTGTCCCAGAGCGCCACGGTGTTCATGTCAGAGGTCACCAATGAGGCCGTGTACAC-3'
Protein context (NP_056030.1, residues 381-401): VSGMAVASVM[Gly391Glu]SLSQSATVFM

ClinVar aggregate classification (germline): Uncertain significance (1 of 4 stars; one submission).

Allele frequency attached by ClinVar (database versions not stated): gnomAD 0.00001; gnomAD exomes 0.00001; ExAC 0.00002.
gnomAD v4.1: 6 of 1,613,892 alleles (0.00037%); highest among the groups gnomAD compares: Admixed American, 0.01%; no homozygotes.

Submission:

Labcorp Genetics (formerly Invitae), Labcorp
Classification: Uncertain significance. Last evaluated: 2022-10-17. Review status: criteria provided, single submitter. Criteria: Invitae Variant Classification Sherloc (09022015). Collection method: clinical testing. Allele origin: germline.
Comment: In summary, the available evidence is currently insufficient to determine the role of this variant in disease. Therefore, it has been classified as a Variant of Uncertain Significance. Algorithms developed to predict the effect of missense changes on protein structure and function are either unavailable or do not agree on the potential impact of this missense change (SIFT: "Deleterious"; PolyPhen-2: "Probably Damaging"; Align-GVGD: "Class C0"). This variant has not been reported in the literature in individuals affected with CAMTA1-related conditions. This variant is present in population databases (rs762445994, gnomAD 0.02%). This sequence change replaces glycine, which is neutral and non-polar, with glutamic acid, which is acidic and polar, at codon 391 of the CAMTA1 protein (p.Gly391Glu).